The following is an entry in ClinVar:

ClinVar aggregate classification (germline): Pathogenic (1 of 4 stars; one submission).

Submission:

GeneDx
Classification: Pathogenic. Last evaluated: 2024-10-23. Review status: criteria provided, single submitter. Criteria: GeneDx Variant Classification Process June 2021. Collection method: clinical testing. Allele origin: germline. Affected: yes.
Comment: Frameshift variant predicted to result in protein truncation or nonsense mediated decay in a gene for which loss of function is a known mechanism of disease; Not observed at significant frequency in large population cohorts (gnomAD); This variant is associated with the following publications: (PMID: 38284441)

NM_172107.2:c.1220_1223del

Gene: KCNQ2 (potassium voltage-gated channel subfamily Q member 2; minus strand).
Variant type: Deletion.
Identifiers: ClinVar variation 3893364 (VCV003893364.1).